The following is an entry in ClinVar:

NM_005633.4(SOS1):c.3781C>G (p.Pro1261Ala)

Gene: SOS1 (SOS Ras/Rac guanine nucleotide exchange factor 1; minus strand). Cytogenetic location: 2p22.1.
Variant type: single nucleotide variant.
Coding change: c.3781C>G on transcript NM_005633.4 (MANE Select); coding-DNA position 3781, C replaced by G.
Protein change: p.Pro1261Ala; replaces proline 1261 with alanine.
Molecular consequence: missense variant.
Genome position (GRCh38, 1-based): chr2:38,986,045, G>C on the plus strand (C>G on the coding strand, the complement: SOS1 is on the minus strand). VCF-style: chr2-38986045-G-C. GRCh37 (hg19) VCF-style: chr2-39213186-G-C.
Other names: c.3760C>G, p.Pro1254Ala (NM_001382394.1); c.3736C>G, p.Pro1246Ala (NM_001382395.1); short protein forms P1254A, P1246A, P1261A.
Identifiers: ClinVar variation 1734852 (VCV001734852.5), dbSNP rs1668547065, ClinGen allele CA346362330.
Genomic context (GRCh38, chr2:38,986,045, plus strand): 5'-CTTGTGTCAATGGTGGTGATGGCAGATGCCTTCTTGTGCCGTGAGGAGAAGGTGTTTGAG[G>C]AGGAGGTGGTGTAAAGGGGGAAGGGCTGTTTGGGAAGAAGGCATTGCCATGGTCACTTTT-3'
Protein context (NP_005624.2, residues 1251-1271): NSPSPFTPPP[Pro1261Ala]QTPSPHGTRR

ClinVar aggregate classification (germline): Uncertain significance. Review status: criteria provided, multiple submitters, no conflicts (2 of 4 stars). 2 submissions from 2 submitters: Uncertain significance (2). Last evaluated 2023-12-29.

Conditions:
Cardiovascular phenotype. Identifiers: MedGen CN230736.
RASopathy. Also called: Noonan spectrum disorder; rasopathies. Identifiers: Orphanet 536391, MedGen C5555857, MONDO:0021060.

Submissions (2):

Ambry Genetics
Classification: Uncertain significance for Cardiovascular phenotype. Last evaluated: 2023-12-29. Review status: criteria provided, single submitter. Criteria: Ambry Variant Classification Scheme 2023. Collection method: clinical testing. Allele origin: germline.
Comment: The p.P1261A variant (also known as c.3781C>G), located in coding exon 23 of the SOS1 gene, results from a C to G substitution at nucleotide position 3781. The proline at codon 1261 is replaced by alanine, an amino acid with highly similar properties. This amino acid position is well conserved in available vertebrate species. In addition, the in silico prediction for this alteration is inconclusive. Since supporting evidence is limited at this time, the clinical significance of this alteration remains unclear.

Labcorp Genetics (formerly Invitae), Labcorp
Classification: Uncertain significance for RASopathy. Last evaluated: 2023-03-13. Review status: criteria provided, single submitter. Criteria: Invitae Variant Classification Sherloc (09022015). Collection method: clinical testing. Allele origin: germline.
Comment: In summary, the available evidence is currently insufficient to determine the role of this variant in disease. Therefore, it has been classified as a Variant of Uncertain Significance. Advanced modeling of protein sequence and biophysical properties (such as structural, functional, and spatial information, amino acid conservation, physicochemical variation, residue mobility, and thermodynamic stability) has been performed at Invitae for this missense variant, however the output from this modeling did not meet the statistical confidence thresholds required to predict the impact of this variant on SOS1 protein function. ClinVar contains an entry for this variant (Variation ID: 1734852). This variant has not been reported in the literature in individuals affected with SOS1-related conditions. This variant is not present in population databases (gnomAD no frequency). This sequence change replaces proline, which is neutral and non-polar, with alanine, which is neutral and non-polar, at codon 1261 of the SOS1 protein (p.Pro1261Ala).